The following is an entry in ClinVar:

NM_007294.4(BRCA1):c.5284A>G (p.Arg1762Gly)

Gene: BRCA1 (BRCA1 DNA repair associated; minus strand). Cytogenetic location: 17q21.31.
Variant type: single nucleotide variant.
Coding change: c.5284A>G on transcript NM_007294.4 (MANE Select); coding-DNA position 5284, A replaced by G.
Protein change: p.Arg1762Gly; replaces arginine 1762 with glycine.
Molecular consequence: missense variant. On other transcripts: non-coding transcript variant (1).
Genome position (GRCh38, 1-based): chr17:43,051,111, T>C on the plus strand (A>G on the coding strand, the complement: BRCA1 is on the minus strand). VCF-style: chr17-43051111-T-C. GRCh37 (hg19) VCF-style: chr17-41203128-T-C.
Other names: c.5071A>G, p.Arg1691Gly (NM_001407571.1, NM_001407895.1, NM_001407896.1 and 12 more transcripts); c.5350A>G, p.Arg1784Gly (NM_001407581.1, NM_001407582.1); c.5347A>G, p.Arg1783Gly (NM_001407583.1, NM_001407585.1, NM_001407587.1 and 1 more transcripts); c.5344A>G, p.Arg1782Gly (NM_001407590.1, NM_001407591.1); c.5284A>G, p.Arg1762Gly (NM_001407593.1, NM_001407594.1, NM_001407596.1 and 6 more transcripts); c.5281A>G, p.Arg1761Gly (NM_001407610.1, NM_001407611.1, NM_001407612.1 and 17 more transcripts); c.5278A>G, p.Arg1760Gly (NM_001407627.1, NM_001407628.1, NM_001407629.1 and 14 more transcripts); c.5275A>G, p.Arg1759Gly (NM_001407644.1, NM_001407645.1); and 72 more; short protein forms R1783G, R658G, R1715G, R1762G, R1721G, R1736G, R1743G, R1758G.
Identifiers: ClinVar variation 867954 (VCV000867954.3), dbSNP rs2051212335, ClinGen allele CA10590977.

Conditions:
Breast-ovarian cancer, familial, susceptibility to, 1 (BROVCA1). Also called: BRCA1 Hereditary Breast and Ovarian Cancer; OVARIAN CANCER, SUSCEPTIBILITY TO. Identifiers: Orphanet 145, MedGen C2676676, MONDO:0011450, OMIM 604370. Disease mechanism: loss of function.

Submission:

Brotman Baty Institute, University of Washington
No classification provided (evidence only). Condition: Breast-ovarian cancer, familial 1. Review status: no classification provided. Collection method: in vitro. Allele origin: not applicable. Functional consequence: functionally_normal.
ClinVar note: "not provided" was previously submitted as the classification for the variant. However, the classification appeared to be based only on an observation of functional data so it was converted to no classification on 2025-07-30.